The following is an entry in ClinVar:

ClinVar aggregate classification (germline): Benign/Likely benign. Review status: criteria provided, multiple submitters, no conflicts (2 of 4 stars). 7 submissions from 7 submitters: Benign (3); Likely benign (2). 2 of the submissions do not count toward it. Last evaluated 2026-02-01.

Conditions:
Cenani-Lenz syndactyly syndrome. Also called: CENANI SYNDACTYLISM; SYNDACTYLY, TYPE VII. Identifiers: Orphanet 3258, MedGen C1859309, MONDO:0008931, OMIM 212780.
Congenital myasthenic syndrome 17. Identifiers: Orphanet 590, MedGen C4225377, MONDO:0014578, OMIM 616304.
Sclerosteosis 2 (SOST2). Identifiers: Orphanet 3152, MedGen C3280402, MONDO:0013679, OMIM 614305.

Allele frequency attached by ClinVar (database versions not stated): 1000 Genomes Project 30x 0.01202; 1000 Genomes Project 0.01218; TOPMed 0.01415; ESP Exome Variant Server 0.01615; gnomAD 0.01781 and 0.01806; ExAC 0.01864; gnomAD exomes 0.01943 and 0.02098.
gnomAD v4.1: 33,242 of 1,611,148 alleles (2.1%); highest among the groups gnomAD compares: Non-Finnish European, 2.2%; 438 homozygotes.

Submissions (7):

Labcorp Genetics (formerly Invitae), Labcorp
Classification: Benign for Cenani-Lenz syndactyly syndrome; Sclerosteosis 2; Congenital myasthenic syndrome 17. Last evaluated: 2026-02-01. Review status: criteria provided, single submitter. Criteria: Invitae Variant Classification Sherloc (09022015). Collection method: clinical testing. Allele origin: germline.

Mayo Clinic Laboratories, Mayo Clinic
Classification: Benign. Last evaluated: 2019-07-23. Review status: criteria provided, single submitter. Criteria: ACMG Guidelines, 2015. Collection method: clinical testing. Allele origin: germline. Observed: 15 variant alleles.

GeneDx
Classification: Benign. Last evaluated: 2018-10-05. Review status: criteria provided, single submitter. Criteria: GeneDx Variant Classification Process June 2021. Collection method: clinical testing. Allele origin: germline. Affected: yes.

Illumina Laboratory Services, Illumina
Classification: Likely benign for Cenani-Lenz syndactyly syndrome. Last evaluated: 2017-04-27. Review status: criteria provided, single submitter. Criteria: ICSL Variant Classification Criteria 13 December 2019. Collection method: clinical testing. Allele origin: germline.
Comment: This variant was observed as part of a predisposition screen in an ostensibly healthy population. A literature search was performed for the gene, cDNA change, and amino acid change (where applicable). No publications were found based on this search. Allele frequency data from public databases allowed determination this variant is unlikely to cause disease. Therefore, this variant is classified as likely benign.

Breakthrough Genomics
Classification: Likely benign. Review status: criteria provided, single submitter. Criteria: ACMG Guidelines, 2015. Collection method: not provided. Allele origin: germline. Inheritance: Autosomal recessive inheritance. Affected: yes.

Genome Diagnostics Laboratory, University Medical Center Utrecht
Classification: Likely benign. Review status: no assertion criteria provided. Collection method: clinical testing. Allele origin: germline. Affected: yes. Study: VKGL Data-share Consensus. Not counted in ClinVar's aggregate classification.

Laboratory of Diagnostic Genome Analysis, Leiden University Medical Center (LUMC)
Classification: Likely benign. Review status: no assertion criteria provided. Collection method: clinical testing. Allele origin: germline. Affected: yes. Study: VKGL Data-share Consensus. Not counted in ClinVar's aggregate classification.

NM_002334.4(LRP4):c.5165T>A (p.Leu1722His)

Genes: LRP4 (LDL receptor related protein 4; minus strand), LRP4-AS1 (LRP4 antisense RNA 1; plus strand). Cytogenetic location: 11p11.2.
Variant type: single nucleotide variant.
Coding change: c.5165T>A on transcript NM_002334.4 (MANE Select); coding-DNA position 5165, T replaced by A.
Protein change: p.Leu1722His; replaces leucine 1722 with histidine.
Molecular consequence: missense variant.
Genome position (GRCh38, 1-based): chr11:46,864,526, A>T on the plus strand (T>A on the coding strand, the complement: LRP4 is on the minus strand). VCF-style: chr11-46864526-A-T. GRCh37 (hg19) VCF-style: chr11-46886077-A-T.
Other names: p.Leu1722His; short protein forms L1722H.
Identifiers: ClinVar variation 304849 (VCV000304849.21), dbSNP rs117936904, ClinGen allele CA5969120.